The following is an entry in ClinVar:

ClinVar aggregate classification (germline): Uncertain significance (1 of 4 stars; one submission).

Conditions:
Inborn genetic diseases. Identifiers: MedGen C0950123, MeSH D030342.

Submission:

Ambry Genetics
Classification: Uncertain significance for Inborn genetic diseases. Last evaluated: 2025-08-31. Review status: criteria provided, single submitter. Criteria: Ambry Variant Classification Scheme 2023. Collection method: clinical testing. Allele origin: germline.
Comment: The p.E379A variant (also known as c.1136A>C), located in coding exon 9 of the FANCG gene, results from an A to C substitution at nucleotide position 1136. The glutamic acid at codon 379 is replaced by alanine, an amino acid with dissimilar properties. This amino acid position is conserved. In addition, this alteration is predicted to be tolerated by in silico analysis. Based on the available evidence, the clinical significance of this variant remains unclear.

NM_004629.2(FANCG):c.1136A>C (p.Glu379Ala)

Gene: FANCG (FA complementation group G; minus strand). Cytogenetic location: 9p13.3.
Variant type: single nucleotide variant.
Coding change: c.1136A>C on transcript NM_004629.2 (MANE Select); coding-DNA position 1136, A replaced by C.
Protein change: p.Glu379Ala; replaces glutamic acid 379 with alanine.
Molecular consequence: missense variant.
Genome position (GRCh38, 1-based): chr9:35,075,969, T>G on the plus strand (A>C on the coding strand, the complement: FANCG is on the minus strand). VCF-style: chr9-35075969-T-G. GRCh37 (hg19) VCF-style: chr9-35075966-T-G.
Other names: short protein forms E379A.
Identifiers: ClinVar variation 4254495 (VCV004254495.1).
Genomic context (GRCh38, chr9:35,075,969, plus strand): 5'-AGGGGACACCAACCCGTCTACCCCATTGCAGAGAAGCTTGAAGACACACCCACCCTTGGC[T>G]CCGAGCTATCCAGCAACAGGGCCAGCAGGTCCAAGTAATGCTCTGCAGCGTCTCCTGCCC-3'
Protein context (NP_004620.1, residues 369-389): DLLALLLDSS[Glu379Ala]PRFSPPPSPP